The following is an entry in ClinVar:

ClinVar aggregate classification (germline): Uncertain significance (1 of 4 stars; one submission).

Conditions:
Primary ciliary dyskinesia. Also called: Ciliary dyskinesia. Identifiers: Orphanet 244, MedGen C0008780, MONDO:0016575, HP:0012265.

Submission:

Labcorp Genetics (formerly Invitae), Labcorp
Classification: Uncertain significance for Primary ciliary dyskinesia. Last evaluated: 2019-12-11. Review status: criteria provided, single submitter. Criteria: Invitae Variant Classification Sherloc (09022015). Collection method: clinical testing. Allele origin: germline.
Comment: In summary, the available evidence is currently insufficient to determine the role of this variant in disease. Therefore, it has been classified as a Variant of Uncertain Significance. Algorithms developed to predict the effect of missense changes on protein structure and function (SIFT, PolyPhen-2, Align-GVGD) all suggest that this variant is likely to be tolerated, but these predictions have not been confirmed by published functional studies and their clinical significance is uncertain. This variant has not been reported in the literature in individuals with DNAAF1-related conditions. This variant is not present in population databases (ExAC no frequency). This sequence change replaces arginine with lysine at codon 530 of the DNAAF1 protein (p.Arg530Lys). The arginine residue is moderately conserved and there is a small physicochemical difference between arginine and lysine.

NM_178452.6(DNAAF1):c.1589G>A (p.Arg530Lys)

Gene: DNAAF1 (dynein axonemal assembly factor 1; plus strand). Cytogenetic location: 16q24.1.
Variant type: single nucleotide variant.
Coding change: c.1589G>A on transcript NM_178452.6 (MANE Select); coding-DNA position 1589, G replaced by A.
Protein change: p.Arg530Lys; replaces arginine 530 with lysine.
Molecular consequence: missense variant.
Genome position (GRCh38, 1-based): chr16:84,172,320, G>A. VCF-style: chr16-84172320-G-A. GRCh37 (hg19) VCF-style: chr16-84205926-G-A.
Other names: c.881G>A, p.Arg294Lys (NM_001318756.1); short protein forms R294K, R530K.
Identifiers: ClinVar variation 845756 (VCV000845756.19), dbSNP rs1415853219, ClinGen allele CA396949102.